The following is an entry in ClinVar:

ClinVar aggregate classification (germline): Uncertain significance. Review status: criteria provided, multiple submitters, no conflicts (2 of 4 stars). 2 submissions from 2 submitters: Uncertain significance (2). Last evaluated 2023-06-12.

Conditions:
Kabuki syndrome 1 (KABUK1). Also called: KMT2D-Related Kabuki Syndrome. Identifiers: Orphanet 2322, MedGen CN030661, MONDO:0007843, OMIM 147920.

Submissions (2):

GeneDx
Classification: Uncertain significance. Last evaluated: 2023-06-12. Review status: criteria provided, single submitter. Criteria: GeneDx Variant Classification Process June 2021. Collection method: clinical testing. Allele origin: germline. Affected: yes.
Comment: In silico analysis supports that this missense variant has a deleterious effect on protein structure/function; Has not been previously published as pathogenic or benign to our knowledge; Not observed at significant frequency in large population cohorts (gnomAD)

CENTOGENE GmbH and LLC - Guiding Precision Medicine
Classification: Uncertain significance for Kabuki syndrome 1. Last evaluated: 2019-09-05. Review status: criteria provided, single submitter. Criteria: ACMG Guidelines, 2015. Collection method: clinical testing. Allele origin: germline.

NM_003482.4(KMT2D):c.9736C>A (p.Pro3246Thr)

Gene: KMT2D (lysine methyltransferase 2D; minus strand). Cytogenetic location: 12q13.12.
Variant type: single nucleotide variant.
Coding change: c.9736C>A on transcript NM_003482.4 (MANE Select); coding-DNA position 9736, C replaced by A.
Protein change: p.Pro3246Thr; replaces proline 3246 with threonine.
Molecular consequence: missense variant.
Genome position (GRCh38, 1-based): chr12:49,037,620, G>T on the plus strand (C>A on the coding strand, the complement: KMT2D is on the minus strand). VCF-style: chr12-49037620-G-T. GRCh37 (hg19) VCF-style: chr12-49431403-G-T.
Other names: short protein forms P3246T.
Identifiers: ClinVar variation 1333904 (VCV001333904.2), dbSNP rs2120482939, ClinGen allele CA384736501.